The following is an entry in ClinVar:

ClinVar aggregate classification (germline): Uncertain significance (1 of 4 stars; one submission).

gnomAD v4.1: 1 of 1,614,192 alleles (0.000062%); highest among the groups gnomAD compares: Non-Finnish European, 0.000085%; no homozygotes.

Submission:

Labcorp Genetics (formerly Invitae), Labcorp
Classification: Uncertain significance. Last evaluated: 2024-01-18. Review status: criteria provided, single submitter. Criteria: Invitae Variant Classification Sherloc (09022015). Collection method: clinical testing. Allele origin: germline.
Comment: This sequence change replaces arginine, which is basic and polar, with proline, which is neutral and non-polar, at codon 550 of the ARHGEF1 protein (p.Arg550Pro). This variant is not present in population databases (gnomAD no frequency). This variant has not been reported in the literature in individuals affected with ARHGEF1-related conditions. An algorithm developed to predict the effect of missense changes on protein structure and function (PolyPhen-2) suggests that this variant is likely to be disruptive. In summary, the available evidence is currently insufficient to determine the role of this variant in disease. Therefore, it has been classified as a Variant of Uncertain Significance.

NM_004706.4(ARHGEF1):c.1604G>C (p.Arg535Pro)

Gene: ARHGEF1 (Rho guanine nucleotide exchange factor 1; plus strand). Cytogenetic location: 19q13.2.
Variant type: single nucleotide variant.
Coding change: c.1604G>C on transcript NM_004706.4 (MANE Select); coding-DNA position 1604, G replaced by C.
Protein change: p.Arg535Pro; replaces arginine 535 with proline.
Molecular consequence: missense variant. On other transcripts: non-coding transcript variant (2).
Genome position (GRCh38, 1-based): chr19:41,902,639, G>C. VCF-style: chr19-41902639-G-C. GRCh37 (hg19) VCF-style: chr19-42406789-G-C.
Other names: c.1772G>C, p.Arg591Pro (NM_001396000.1); c.1505G>C, p.Arg502Pro (NM_001396002.1, NM_001396004.1, NM_198977.2); c.1604G>C, p.Arg535Pro (NM_001396003.1, NM_001396006.1); c.1649G>C, p.Arg550Pro (NM_199002.2); short protein forms R550P, R502P, R535P, R591P.
Identifiers: ClinVar variation 2818296 (VCV002818296.3), dbSNP rs1555849283, ClinGen allele CA406061930.